The following is an entry in ClinVar:

NM_000245.4(MET):c.3387C>A (p.Ile1129=)

Gene: MET (MET proto-oncogene, receptor tyrosine kinase; plus strand). Cytogenetic location: 7q31.2.
Variant type: single nucleotide variant.
Coding change: c.3387C>A on transcript NM_000245.4 (MANE Select); coding-DNA position 3387, C replaced by A.
Protein change: p.Ile1129=; no amino-acid change (isoleucine 1129 retained).
Molecular consequence: synonymous variant.
Genome position (GRCh38, 1-based): chr7:116,778,822, C>A. VCF-style: chr7-116778822-C-A. GRCh37 (hg19) VCF-style: chr7-116418876-C-A.
Other names: c.3441C>A, p.Ile1147= (NM_001127500.3); c.2097C>A, p.Ile699= (NM_001324402.2).
Identifiers: ClinVar variation 2176114 (VCV002176114.6), dbSNP rs371927164, ClinGen allele CA4448716.

ClinVar aggregate classification (germline): Benign/Likely benign. Review status: criteria provided, multiple submitters, no conflicts (2 of 4 stars). 3 submissions from 3 submitters: Benign (2); Likely benign (1). Last evaluated 2024-11-13.

Conditions:
Hereditary cancer-predisposing syndrome. Also called: Tumor predisposition; Hereditary neoplastic syndrome; Neoplastic Syndromes, Hereditary; Hereditary Cancer Syndrome. Identifiers: Orphanet 140162, MedGen C0027672, MeSH D009386, MONDO:0015356.
Papillary renal cell carcinoma type 1 (RCCP1). Also called: RENAL CELL CARCINOMA, PAPILLARY, 1, SOMATIC; Renal adenocarcinoma; Renal cell carcinoma 1; Renal cell carcinoma, somatic. Identifiers: Orphanet 47044, MedGen C1336839, OMIM 605074, HP:0011797.
Renal cell carcinoma. Identifiers: Orphanet 217071, MedGen C0007134, MeSH D002292, MONDO:0005086, HP:0005584.

Allele frequency attached by ClinVar (database versions not stated): gnomAD exomes below 0.00001; gnomAD 0.00001; TOPMed 0.00001; ExAC 0.00002; ESP Exome Variant Server 0.00008; 1000 Genomes Project 30x 0.00016; 1000 Genomes Project 0.00020.
gnomAD v4.1: 3 of 1,614,054 alleles (0.00019%); highest among the groups gnomAD compares: African/African-American, 0.0027%; no homozygotes.

Submissions (3):

Myriad Genetics, Inc.
Classification: Benign for Papillary renal cell carcinoma type 1. Last evaluated: 2024-11-13. Review status: criteria provided, single submitter. Criteria: Myriad Autosomal Dominant, Autosomal Recessive and X-Linked Classification Criteria (2023). Collection method: clinical testing. Allele origin: unknown.
Comment: This variant is considered benign. This variant is a silent/synonymous amino acid change and it is not expected to impact splicing.

Ambry Genetics
Classification: Likely benign for Hereditary cancer-predisposing syndrome. Last evaluated: 2024-09-21. Review status: criteria provided, single submitter. Criteria: Ambry Variant Classification Scheme 2023. Collection method: clinical testing. Allele origin: germline.

Labcorp Genetics (formerly Invitae), Labcorp
Classification: Benign for Renal cell carcinoma. Last evaluated: 2023-03-22. Review status: criteria provided, single submitter. Criteria: Invitae Variant Classification Sherloc (09022015). Collection method: clinical testing. Allele origin: germline.